The following is an entry in ClinVar:

NM_007289.4(MME):c.66G>C (p.Gln22His)

Gene: MME (membrane metalloendopeptidase; plus strand). Cytogenetic location: 3q25.2.
Variant type: single nucleotide variant.
Coding change: c.66G>C on transcript NM_007289.4 (MANE Select); coding-DNA position 66, G replaced by C.
Protein change: p.Gln22His; replaces glutamine 22 with histidine.
Molecular consequence: missense variant.
Genome position (GRCh38, 1-based): chr3:155,084,233, G>C. VCF-style: chr3-155084233-G-C. GRCh37 (hg19) VCF-style: chr3-154802022-G-C.
Other names: c.66G>C, p.Gln22His (NM_000902.5, NM_001354642.2, NM_001354643.1 and 3 more transcripts); short protein forms Q22H.
Identifiers: ClinVar variation 1353913 (VCV001353913.3), dbSNP rs141402067, ClinGen allele CA2674998.

ClinVar aggregate classification (germline): Uncertain significance (1 of 4 stars; one submission).

Allele frequency attached by ClinVar (database versions not stated): TOPMed below 0.00001; gnomAD exomes 0.00001; ExAC 0.00002; ESP Exome Variant Server 0.00008.
gnomAD v4.1: 43 of 1,613,976 alleles (0.0027%); highest among the groups gnomAD compares: Non-Finnish European, 0.0034%; no homozygotes.

Submission:

Labcorp Genetics (formerly Invitae), Labcorp
Classification: Uncertain significance. Last evaluated: 2022-06-12. Review status: criteria provided, single submitter. Criteria: Invitae Variant Classification Sherloc (09022015). Collection method: clinical testing. Allele origin: germline.
Comment: This sequence change replaces glutamine, which is neutral and polar, with histidine, which is basic and polar, at codon 22 of the MME protein (p.Gln22His). This variant is present in population databases (rs141402067, gnomAD 0.007%). This variant has not been reported in the literature in individuals affected with MME-related conditions. Algorithms developed to predict the effect of missense changes on protein structure and function (SIFT, PolyPhen-2, Align-GVGD) all suggest that this variant is likely to be tolerated. In summary, the available evidence is currently insufficient to determine the role of this variant in disease. Therefore, it has been classified as a Variant of Uncertain Significance.